The following is an entry in ClinVar:

NM_017934.7(PHIP):c.511C>T (p.Gln171Ter)

Gene: PHIP (PHIP subunit of CUL4-Ring ligase complex; minus strand). Cytogenetic location: 6q14.1.
Variant type: single nucleotide variant.
Coding change: c.511C>T on transcript NM_017934.7 (MANE Select); coding-DNA position 511, C replaced by T.
Protein change: p.Gln171Ter; replaces glutamine 171 with a stop codon.
Molecular consequence: nonsense.
Genome position (GRCh38, 1-based): chr6:79,042,932, G>A on the plus strand (C>T on the coding strand, the complement: PHIP is on the minus strand). VCF-style: chr6-79042932-G-A. GRCh37 (hg19) VCF-style: chr6-79752649-G-A.
Other names: short protein forms Q171*.
Identifiers: ClinVar variation 4135808 (VCV004135808.1).

ClinVar aggregate classification (germline): Pathogenic (1 of 4 stars; one submission).

Conditions:
Inborn genetic diseases. Identifiers: MedGen C0950123, MeSH D030342.

Submission:

Ambry Genetics
Classification: Pathogenic for Inborn genetic diseases. Last evaluated: 2025-06-18. Review status: criteria provided, single submitter. Criteria: Ambry Variant Classification Scheme 2023. Collection method: clinical testing. Allele origin: germline.
Comment: The c.511C>T (p.Q171*) alteration, located in exon 7 (coding exon 7) of the PHIP gene, consists of a C to T substitution at nucleotide position 511. This changes the amino acid from a glutamine (Q) to a stop codon at amino acid position 171. This alteration is expected to result in loss of function by premature protein truncation or nonsense-mediated mRNA decay. This variant was not reported in population-based cohorts in the Genome Aggregation Database (gnomAD). Based on the available evidence, this alteration is classified as pathogenic.